The following is an entry in ClinVar:

NM_001378030.1(CCDC78):c.730G>A (p.Val244Ile)

Gene: CCDC78 (coiled-coil domain containing 78; minus strand). Cytogenetic location: 16p13.3.
Variant type: single nucleotide variant.
Coding change: c.730G>A on transcript NM_001378030.1 (MANE Select); coding-DNA position 730, G replaced by A.
Protein change: p.Val244Ile; replaces valine 244 with isoleucine.
Molecular consequence: missense variant. On other transcripts: non-coding transcript variant (5), intron variant (1).
Genome position (GRCh38, 1-based): chr16:724,716, C>T on the plus strand (G>A on the coding strand, the complement: CCDC78 is on the minus strand). VCF-style: chr16-724716-C-T. GRCh37 (hg19) VCF-style: chr16-774716-C-T.
Other names: c.730G>A, p.Val244Ile (NM_001031737.3, NM_001378031.1); c.199-207G>A (NM_001378033.1); short protein forms V244I.
Identifiers: ClinVar variation 434621 (VCV000434621.14), dbSNP rs752077571, ClinGen allele CA7789446.

ClinVar aggregate classification (germline): Conflicting classifications of pathogenicity. Review status: criteria provided, conflicting classifications (1 of 4 stars). 4 submissions from 4 submitters: Uncertain significance (2); Likely benign (2). Last evaluated 2025-06-14.

Conditions:
Inborn genetic diseases. Identifiers: MedGen C0950123, MeSH D030342.
Congenital myopathy with internal nuclei and atypical cores. Also called: Myopathy, centronuclear, 4. Identifiers: Orphanet 319160, MedGen C4707232, MONDO:0013890, OMIM 614807.

Allele frequency attached by ClinVar (database versions not stated): gnomAD 0.00004 and 0.00005; ExAC 0.00006; TOPMed 0.00006; gnomAD exomes 0.00008.

Submissions (4):

Labcorp Genetics (formerly Invitae), Labcorp
Classification: Uncertain significance for Congenital myopathy with internal nuclei and atypical cores. Last evaluated: 2025-06-14. Review status: criteria provided, single submitter. Criteria: Invitae Variant Classification Sherloc (09022015). Collection method: clinical testing. Allele origin: germline.
Comment: This sequence change replaces valine, which is neutral and non-polar, with isoleucine, which is neutral and non-polar, at codon 244 of the CCDC78 protein (p.Val244Ile). This variant is present in population databases (rs752077571, gnomAD 0.01%). This variant has not been reported in the literature in individuals affected with CCDC78-related conditions. ClinVar contains an entry for this variant (Variation ID: 434621). Invitae Evidence Modeling of protein sequence and biophysical properties (such as structural, functional, and spatial information, amino acid conservation, physicochemical variation, residue mobility, and thermodynamic stability) indicates that this missense variant is not expected to disrupt CCDC78 protein function with a negative predictive value of 80%. In summary, the available evidence is currently insufficient to determine the role of this variant in disease. Therefore, it has been classified as a Variant of Uncertain Significance.

Ambry Genetics
Classification: Uncertain significance for Inborn genetic diseases. Last evaluated: 2024-08-12. Review status: criteria provided, single submitter. Criteria: Ambry Variant Classification Scheme 2023. Collection method: clinical testing. Allele origin: germline.

Blueprint Genetics
Classification: Likely benign. Last evaluated: 2024-06-14. Review status: criteria provided, single submitter. Criteria: ACMG Guidelines, 2015. Collection method: clinical testing. Allele origin: germline.

Genetic Services Laboratory, University of Chicago
Classification: Likely benign. Last evaluated: 2015-09-25. Review status: criteria provided, single submitter. Criteria: ACMG Guidelines, 2015. Collection method: clinical testing. Allele origin: germline. Affected: no.